The following is an entry in ClinVar:

NM_001111.5(ADAR):c.3116A>G (p.Lys1039Arg)

Gene: ADAR (adenosine deaminase RNA specific; minus strand). Cytogenetic location: 1q21.3.
Variant type: single nucleotide variant.
Coding change: c.3116A>G on transcript NM_001111.5 (MANE Select); coding-DNA position 3116, A replaced by G.
Protein change: p.Lys1039Arg; replaces lysine 1039 with arginine.
Molecular consequence: missense variant.
Genome position (GRCh38, 1-based): chr1:154,586,267, T>C on the plus strand (A>G on the coding strand, the complement: ADAR is on the minus strand). VCF-style: chr1-154586267-T-C. GRCh37 (hg19) VCF-style: chr1-154558743-T-C.
Other names: c.2231A>G, p.Lys744Arg (NM_001025107.3, NM_001193495.2, NM_001365046.1 and 2 more transcripts); c.3143A>G, p.Lys1048Arg (NM_001365045.1); c.2153A>G, p.Lys718Arg (NM_001365049.1); c.3038A>G, p.Lys1013Arg (NM_015840.4); c.2981A>G, p.Lys994Arg (NM_015841.4); short protein forms K1048R, K1013R, K1039R, K718R, K744R, K994R.
Identifiers: ClinVar variation 2056173 (VCV002056173.4), dbSNP rs888096276, ClinGen allele CA30849554.

ClinVar aggregate classification (germline): Uncertain significance (1 of 4 stars; one submission).

Conditions:
Aicardi-Goutieres syndrome 6 (AGS6). Identifiers: Orphanet 51, MedGen C3539013, MONDO:0014007, OMIM 615010.
Symmetrical dyschromatosis of extremities (DSH). Also called: DYSCHROMATOSIS SYMMETRICA HEREDITARIA 1; RETICULATE ACROPIGMENTATION OF DOHI; SYMMETRIC DYSCHROMATOSIS OF THE EXTREMITIES; Dyschromatosis symmetrica hereditaria. Identifiers: Orphanet 41, MedGen C0406775, MONDO:0007483, OMIM 127400.

Allele frequency attached by ClinVar (database versions not stated): gnomAD 0.00001; TOPMed 0.00001; gnomAD exomes below 0.00001.
gnomAD v4.1: 7 of 1,614,046 alleles (0.00043%); highest among the groups gnomAD compares: Non-Finnish European, 0.00051%; no homozygotes.

Submission:

Labcorp Genetics (formerly Invitae), Labcorp
Classification: Uncertain significance for Aicardi-Goutieres syndrome 6; Symmetrical dyschromatosis of extremities. Last evaluated: 2026-01-14. Review status: criteria provided, single submitter. Criteria: Invitae Variant Classification Sherloc (09022015). Collection method: clinical testing. Allele origin: germline.
Comment: This sequence change replaces lysine, which is basic and polar, with arginine, which is basic and polar, at codon 1039 of the ADAR protein (p.Lys1039Arg). This variant is not present in population databases (gnomAD no frequency). This missense change has been observed in individual(s) with clinical features of Aicardi-Gouti`eres syndrome and/or dyschromatosis symmetrica hereditaria (PMID: 16536805, 34631961). It has also been observed to segregate with disease in related individuals. ClinVar contains an entry for this variant (Variation ID: 2056173). Invitae Evidence Modeling of protein sequence and biophysical properties (such as structural, functional, and spatial information, amino acid conservation, physicochemical variation, residue mobility, and thermodynamic stability) has been performed for this missense variant. However, the output from this modeling did not meet the statistical confidence thresholds required to predict the impact of this variant on ADAR protein function. In summary, the available evidence is currently insufficient to determine the role of this variant in disease. Therefore, it has been classified as a Variant of Uncertain Significance.

Literature cited by the submitters: PubMed 16536805; PubMed 34631961.